The following is an entry in ClinVar:

ClinVar aggregate classification (germline): Uncertain significance. Review status: criteria provided, multiple submitters, no conflicts (2 of 4 stars). 3 submissions from 3 submitters: Uncertain significance (3). Last evaluated 2024-07-02.

Conditions:
Myoglobinuria, acute recurrent, autosomal recessive. Also called: MYOGLOBINURIA, FAMILIAL PAROXYSMAL PARALYTIC; RHABDOMYOLYSIS, ACUTE RECURRENT; Myoglobinuria, recurrent, autosomal recessive. Identifiers: Orphanet 99845, MedGen C1849386, MONDO:0009992, OMIM 268200.
Inborn genetic diseases. Identifiers: MedGen C0950123, MeSH D030342.

Allele frequency attached by ClinVar (database versions not stated): gnomAD 0.00001; ExAC 0.00002; TOPMed 0.00002.
gnomAD v4.1: 6 of 1,613,842 alleles (0.00037%); highest among the groups gnomAD compares: Admixed American, 0.0017%; no homozygotes.

Submissions (3):

Ambry Genetics
Classification: Uncertain significance for Inborn genetic diseases. Last evaluated: 2024-07-02. Review status: criteria provided, single submitter. Criteria: Ambry Variant Classification Scheme 2023. Collection method: clinical testing. Allele origin: germline.

Fulgent Genetics
Classification: Uncertain significance for Myoglobinuria, acute recurrent, autosomal recessive. Last evaluated: 2024-06-10. Review status: criteria provided, single submitter. Criteria: ACMG Guidelines, 2015. Collection method: clinical testing. Allele origin: germline.

Labcorp Genetics (formerly Invitae), Labcorp
Classification: Uncertain significance. Last evaluated: 2021-09-30. Review status: criteria provided, single submitter. Criteria: Invitae Variant Classification Sherloc (09022015). Collection method: clinical testing. Allele origin: germline.
Comment: This sequence change replaces lysine with glutamine at codon 283 of the LPIN1 protein (p.Lys283Gln). The lysine residue is highly conserved and there is a small physicochemical difference between lysine and glutamine. This variant is present in population databases (rs752521580, ExAC 0.009%). This variant has not been reported in the literature in individuals affected with LPIN1-related conditions. Algorithms developed to predict the effect of missense changes on protein structure and function (SIFT, PolyPhen-2, Align-GVGD) all suggest that this variant is likely to be tolerated. In summary, the available evidence is currently insufficient to determine the role of this variant in disease. Therefore, it has been classified as a Variant of Uncertain Significance.

NM_001349206.2(LPIN1):c.955A>C (p.Lys319Gln)

Genes: LPIN1 (lipin 1; plus strand), LOC126806147 (CDK7 strongly-dependent group 2 enhancer GRCh37_chr2:11919054-11920253; plus strand). Cytogenetic location: 2p25.1.
Variant type: single nucleotide variant.
Coding change: c.955A>C on transcript NM_001349206.2 (MANE Select); coding-DNA position 955, A replaced by C.
Protein change: p.Lys319Gln; replaces lysine 319 with glutamine.
Molecular consequence: missense variant. On other transcripts: non-coding transcript variant (1).
Genome position (GRCh38, 1-based): chr2:11,779,643, A>C. VCF-style: chr2-11779643-A-C. GRCh37 (hg19) VCF-style: chr2-11919769-A-C.
Other names: c.847A>C (NM_145693.1); c.865A>C, p.Lys289Gln (NM_001261427.3); c.1102A>C, p.Lys368Gln (NM_001261428.3); c.847A>C, p.Lys283Gln (NM_001349199.2, NM_001349200.2, NM_001349201.2 and 1 more transcripts); c.952A>C, p.Lys318Gln (NM_001349202.2, NM_001349203.2); c.955A>C, p.Lys319Gln (NM_001349204.2, NM_001349205.2); c.1045A>C, p.Lys349Gln (NM_001349207.2); c.994A>C, p.Lys332Gln (NM_001349208.2); short protein forms K283Q, K368Q, K289Q, K319Q, K332Q, K349Q, K318Q.
Identifiers: ClinVar variation 1416906 (VCV001416906.5), dbSNP rs752521580, ClinGen allele CA1533548.